The following is an entry in ClinVar:

ClinVar aggregate classification (germline): Uncertain significance (1 of 4 stars; one submission).

Conditions:
Familial adenomatous polyposis 1 (FAP1). Also called: FAMILIAL ADENOMATOUS POLYPOSIS 1, ATTENUATED; POLYPOSIS, ADENOMATOUS INTESTINAL. Identifiers: MedGen C2713442, MONDO:0021056, OMIM 175100. Disease mechanism: loss of function.

Submission:

Labcorp Genetics (formerly Invitae), Labcorp
Classification: Uncertain significance for Familial adenomatous polyposis 1. Last evaluated: 2021-03-22. Review status: criteria provided, single submitter. Criteria: Invitae Variant Classification Sherloc (09022015). Collection method: clinical testing. Allele origin: germline.
Comment: Algorithms developed to predict the effect of missense changes on protein structure and function (SIFT, PolyPhen-2, Align-GVGD) all suggest that this variant is likely to be tolerated, but these predictions have not been confirmed by published functional studies and their clinical significance is uncertain. In summary, the available evidence is currently insufficient to determine the role of this variant in disease. Therefore, it has been classified as a Variant of Uncertain Significance. This variant has not been reported in the literature in individuals with APC-related conditions. This variant is not present in population databases (ExAC no frequency). This sequence change replaces methionine with isoleucine at codon 485 of the APC protein (p.Met485Ile). The methionine residue is highly conserved and there is a small physicochemical difference between methionine and isoleucine.

NM_000038.6(APC):c.1455G>T (p.Met485Ile)

Gene: APC (APC regulator of Wnt signaling pathway; plus strand). Cytogenetic location: 5q22.2.
Variant type: single nucleotide variant.
Coding change: c.1455G>T on transcript NM_000038.6 (MANE Select); coding-DNA position 1455, G replaced by T.
Protein change: p.Met485Ile; replaces methionine 485 with isoleucine.
Molecular consequence: missense variant.
Genome position (GRCh38, 1-based): chr5:112,827,154, G>T. VCF-style: chr5-112827154-G-T. GRCh37 (hg19) VCF-style: chr5-112162851-G-T.
Other names: c.1455G>T, p.Met485Ile (NM_001127510.3, NM_001354895.2); c.1401G>T, p.Met467Ile (NM_001127511.3); c.1509G>T, p.Met503Ile (NM_001354896.2); c.1485G>T, p.Met495Ile (NM_001354897.2); c.1380G>T, p.Met460Ile (NM_001354898.2); c.1371G>T, p.Met457Ile (NM_001354899.2); c.1332G>T, p.Met444Ile (NM_001354900.2); c.1278G>T, p.Met426Ile (NM_001354901.2); and 5 more; short protein forms M359I, M457I, M503I, M325I, M394I, M426I, M444I, M460I.
Identifiers: ClinVar variation 1472520 (VCV001472520.8), dbSNP rs747739964, ClinGen allele CA16024492.
Genomic context (GRCh38, chr5:112,827,154, plus strand): 5'-CCTTTTTAAATTAGGGGGACTACAGGCCATTGCAGAATTATTGCAAGTGGACTGTGAAAT[G>T]TATGGGCTTACTAATGACCACTACAGTATTACACTAAGACGATATGCTGGAATGGCTTTG-3'
Protein context (NP_000029.2, residues 475-495): IAELLQVDCE[Met485Ile]YGLTNDHYSI